The following is an entry in ClinVar:

NM_001845.6(COL4A1):c.98G>C (p.Gly33Ala)

Gene: COL4A1 (collagen type IV alpha 1 chain; minus strand). Cytogenetic location: 13q34.
Variant type: single nucleotide variant.
Coding change: c.98G>C on transcript NM_001845.6 (MANE Select); coding-DNA position 98, G replaced by C.
Protein change: p.Gly33Ala; replaces glycine 33 with alanine.
Molecular consequence: missense variant.
Genome position (GRCh38, 1-based): chr13:110,242,721, C>G on the plus strand (G>C on the coding strand, the complement: COL4A1 is on the minus strand). VCF-style: chr13-110242721-C-G. GRCh37 (hg19) VCF-style: chr13-110895068-C-G.
Other names: c.98G>C, p.Gly33Ala (NM_001303110.2); short protein forms G33A.
Identifiers: ClinVar variation 1998260 (VCV001998260.4), dbSNP rs2501683073, ClinGen allele CA388731553.

ClinVar aggregate classification (germline): Uncertain significance (1 of 4 stars; one submission).

gnomAD v4.1: 1 of 1,614,224 alleles (0.000062%); highest among the groups gnomAD compares: Non-Finnish European, 0.000085%; no homozygotes.

Submission:

Labcorp Genetics (formerly Invitae), Labcorp
Classification: Uncertain significance. Last evaluated: 2022-08-16. Review status: criteria provided, single submitter. Criteria: Invitae Variant Classification Sherloc (09022015). Collection method: clinical testing. Allele origin: germline.
Comment: This variant has not been reported in the literature in individuals affected with COL4A1-related conditions. In summary, the available evidence is currently insufficient to determine the role of this variant in disease. Therefore, it has been classified as a Variant of Uncertain Significance. Advanced modeling of protein sequence and biophysical properties (such as structural, functional, and spatial information, amino acid conservation, physicochemical variation, residue mobility, and thermodynamic stability) performed at Invitae indicates that this missense variant is not expected to disrupt COL4A1 protein function. This variant is not present in population databases (gnomAD no frequency). This sequence change replaces glycine, which is neutral and non-polar, with alanine, which is neutral and non-polar, at codon 33 of the COL4A1 protein (p.Gly33Ala).